The following is an entry in ClinVar:

NM_005633.4(SOS1):c.505G>C (p.Asp169His)

Gene: SOS1 (SOS Ras/Rac guanine nucleotide exchange factor 1; minus strand). Cytogenetic location: 2p22.1.
Variant type: single nucleotide variant.
Coding change: c.505G>C on transcript NM_005633.4 (MANE Select); coding-DNA position 505, G replaced by C.
Protein change: p.Asp169His; replaces aspartic acid 169 with histidine.
Molecular consequence: missense variant.
Genome position (GRCh38, 1-based): chr2:39,056,707, C>G on the plus strand (G>C on the coding strand, the complement: SOS1 is on the minus strand). VCF-style: chr2-39056707-C-G. GRCh37 (hg19) VCF-style: chr2-39283848-C-G.
Other names: c.484G>C, p.Asp162His (NM_001382394.1); c.505G>C, p.Asp169His (NM_001382395.1); short protein forms D169H, D162H.
Identifiers: ClinVar variation 2124936 (VCV002124936.4), dbSNP rs2465354666, ClinGen allele CA346373396.
Genomic context (GRCh38, chr2:39,056,707, plus strand): 5'-CTAATAAGTCATAAAAAGAAACTTAAGAAAAAAATAGAAAAGCTCAGTTTCCTACCTTGT[C>G]AGCACACATTGCCACTTTAATATCTTGTTTTGTAATTTCATAATGCCGTATATTTCTTAC-3'
Protein context (NP_005624.2, residues 159-179): KQDIKVAMCA[Asp169His]KVLMDMFHQD

ClinVar aggregate classification (germline): Uncertain significance (1 of 4 stars; one submission).

Conditions:
RASopathy. Also called: rasopathies; Noonan spectrum disorder. Identifiers: Orphanet 536391, MedGen C5555857, MONDO:0021060.

Submission:

Labcorp Genetics (formerly Invitae), Labcorp
Classification: Uncertain significance for RASopathy. Last evaluated: 2023-04-05. Review status: criteria provided, single submitter. Criteria: Invitae Variant Classification Sherloc (09022015). Collection method: clinical testing. Allele origin: germline.
Comment: This sequence change replaces aspartic acid, which is acidic and polar, with histidine, which is basic and polar, at codon 169 of the SOS1 protein (p.Asp169His). This variant is not present in population databases (gnomAD no frequency). This variant has not been reported in the literature in individuals affected with SOS1-related conditions. ClinVar contains an entry for this variant (Variation ID: 2124936). Advanced modeling of protein sequence and biophysical properties (such as structural, functional, and spatial information, amino acid conservation, physicochemical variation, residue mobility, and thermodynamic stability) performed at Invitae indicates that this missense variant is expected to disrupt SOS1 protein function. In summary, the available evidence is currently insufficient to determine the role of this variant in disease. Therefore, it has been classified as a Variant of Uncertain Significance.